The following is an entry in ClinVar:

Conditions:
Breast-ovarian cancer, familial, susceptibility to, 1 (BROVCA1). Also called: BRCA1 Hereditary Breast and Ovarian Cancer; OVARIAN CANCER, SUSCEPTIBILITY TO. Identifiers: Orphanet 145, MedGen C2676676, MONDO:0011450, OMIM 604370. Disease mechanism: loss of function.

Submission:

Brotman Baty Institute, University of Washington
No classification provided (evidence only). Condition: Breast-ovarian cancer, familial 1. Review status: no classification provided. Collection method: in vitro. Allele origin: not applicable. Functional consequence: functionally_normal.
ClinVar note: "not provided" was previously submitted as the classification for the variant. However, the classification appeared to be based only on an observation of functional data so it was converted to no classification on 2025-07-30.

NM_007294.4(BRCA1):c.5415C>A (p.His1805Gln)

Gene: BRCA1 (BRCA1 DNA repair associated; minus strand). Cytogenetic location: 17q21.31.
Variant type: single nucleotide variant.
Coding change: c.5415C>A on transcript NM_007294.4 (MANE Select); coding-DNA position 5415, C replaced by A.
Protein change: p.His1805Gln; replaces histidine 1805 with glutamine.
Molecular consequence: missense variant. On other transcripts: non-coding transcript variant (1).
Genome position (GRCh38, 1-based): chr17:43,047,695, G>T on the plus strand (C>A on the coding strand, the complement: BRCA1 is on the minus strand). VCF-style: chr17-43047695-G-T. GRCh37 (hg19) VCF-style: chr17-41199712-G-T.
Other names: c.1860C>A, p.His620Gln (NM_001408495.1); c.1842C>A, p.His614Gln (NM_001408496.1, NM_001408497.1, NM_001408498.1 and 3 more transcripts); c.1839C>A, p.His613Gln (NM_001408502.1, NM_001408503.1, NM_001408504.1); c.1179C>A, p.His393Gln (NM_001408514.1); c.5274C>A, p.His1758Gln (NM_007297.4, NM_001407694.1, NM_001407695.1 and 12 more transcripts); c.2103C>A, p.His701Gln (NM_007298.4, NM_007304.2, NM_001407991.1 and 11 more transcripts); c.2029C>A, p.Pro677Thr (NM_007299.4, NM_001408472.1); c.5478C>A, p.His1826Gln (NM_007300.4, NM_001407583.1, NM_001407585.1 and 1 more transcripts); and 83 more; short protein forms H1758Q, H1805Q, H1826Q, H701Q, P677T, H1636Q, H1676Q, H1692Q.
Identifiers: ClinVar variation 867380 (VCV000867380.3), dbSNP rs1060504559, ClinGen allele CA10590631.
Genomic context (GRCh38, chr17:43,047,695, plus strand): 5'-CACCTTACCATGGAAGCCATTGTCCTCTGTCCAGGCATCTGGCTGCACAACCACAATTGG[G>T]TGGACACCCTGGATCCCCAGGAAGGAAAGAGCATTCAAAGTGTCAAAGTAGGACTACTGG-3'
Protein context (NP_009225.1, residues 1795-1815): LSSFTLGTGV[His1805Gln]PIVVVQPDAW